The following is an entry in ClinVar:

ClinVar aggregate classification (germline): Uncertain significance. Review status: criteria provided, multiple submitters, no conflicts (2 of 4 stars). 2 submissions from 2 submitters: Uncertain significance (2). Last evaluated 2025-02-02.

Conditions:
Cardiovascular phenotype. Identifiers: MedGen CN230736.
Long QT syndrome (LQTS). Identifiers: MedGen C0023976, MeSH D008133, MONDO:0002442. Disease mechanism: loss of function. Inheritance: Various modes of inheritance.

Allele frequency attached by ClinVar (database versions not stated): gnomAD 0.00001; TOPMed 0.00001.
gnomAD v4.1: 7 of 1,587,030 alleles (0.00044%); highest among the groups gnomAD compares: Non-Finnish European, 0.0006%; no homozygotes.

Submissions (2):

Labcorp Genetics (formerly Invitae), Labcorp
Classification: Uncertain significance for Long QT syndrome. Last evaluated: 2025-02-02. Review status: criteria provided, single submitter. Criteria: Invitae Variant Classification Sherloc (09022015). Collection method: clinical testing. Allele origin: germline.
Comment: This sequence change replaces leucine, which is neutral and non-polar, with phenylalanine, which is neutral and non-polar, at codon 2611 of the AKAP9 protein (p.Leu2611Phe). This variant is not present in population databases (gnomAD no frequency). This variant has not been reported in the literature in individuals affected with AKAP9-related conditions. ClinVar contains an entry for this variant (Variation ID: 2449761). An algorithm developed to predict the effect of missense changes on protein structure and function (PolyPhen-2) suggests that this variant is likely to be disruptive. In summary, the available evidence is currently insufficient to determine the role of this variant in disease. Therefore, it has been classified as a Variant of Uncertain Significance.

Ambry Genetics
Classification: Uncertain significance for Cardiovascular phenotype. Last evaluated: 2023-01-07. Review status: criteria provided, single submitter. Criteria: Ambry Variant Classification Scheme 2023. Collection method: clinical testing. Allele origin: germline.
Comment: The p.L2611F variant (also known as c.7833A>T), located in coding exon 31 of the AKAP9 gene, results from an A to T substitution at nucleotide position 7833. The leucine at codon 2611 is replaced by phenylalanine, an amino acid with highly similar properties. This amino acid position is conserved. In addition, this alteration is predicted to be tolerated by in silico analysis. Since supporting evidence is limited at this time, the clinical significance of this alteration remains unclear.

NM_005751.5(AKAP9):c.7833A>T (p.Leu2611Phe)

Gene: AKAP9 (A-kinase anchoring protein 9; plus strand). Cytogenetic location: 7q21.2.
Variant type: single nucleotide variant.
Coding change: c.7833A>T on transcript NM_005751.5 (MANE Select); coding-DNA position 7833, A replaced by T.
Protein change: p.Leu2611Phe; replaces leucine 2611 with phenylalanine.
Molecular consequence: missense variant.
Genome position (GRCh38, 1-based): chr7:92,079,966, A>T. VCF-style: chr7-92079966-A-T. GRCh37 (hg19) VCF-style: chr7-91709280-A-T.
Other names: c.2478A>T, p.Leu826Phe (NM_001379277.1); c.7809A>T, p.Leu2603Phe (NM_147185.3); short protein forms L2611F, L826F, L2603F.
Identifiers: ClinVar variation 2449761 (VCV002449761.3), dbSNP rs1293817927, ClinGen allele CA368136615.